The following is an entry in ClinVar:

ClinVar aggregate classification (germline): Benign/Likely benign. Review status: criteria provided, multiple submitters, no conflicts (2 of 4 stars). 3 submissions from 3 submitters: Benign (1); Likely benign (2). Last evaluated 2026-02-27.

Conditions:
TCTN3-related disorder. Also called: TCTN3-related condition.
Orofacial-digital syndrome IV (OFD4). Also called: OFD SYNDROME WITH TIBIAL DEFECTS; OFD SYNDROME, BARAITSER-BURN TYPE; OFDS IV; ORAL-FACIAL-DIGITAL SYNDROME, TYPE IV; Orofaciodigital syndrome IV; BARAITSER-BURN SYNDROME. Identifiers: Orphanet 2753, MedGen C0406727, MONDO:0009794, OMIM 258860.
Joubert syndrome 18 (JBTS18). Identifiers: Orphanet 2754, MedGen C3553758, MONDO:0013896, OMIM 614815.

Allele frequency attached by ClinVar (database versions not stated): gnomAD 0.00007 and 0.00008; gnomAD exomes 0.00007 and 0.00019; TOPMed 0.00007; ExAC 0.00019; ESP Exome Variant Server 0.00022.
gnomAD v4.1: 119 of 1,551,390 alleles (0.0077%); highest among the groups gnomAD compares: Middle Eastern, 0.05%; 1 homozygote.

Submissions (3):

PreventionGenetics, part of Exact Sciences
Classification: Likely benign for TCTN3-related condition. Last evaluated: 2026-02-27. Review status: criteria provided, single submitter. Criteria: ACMG Guidelines, 2015. Collection method: clinical testing. Allele origin: germline.
Comment: This variant is classified as likely benign based on ACMG/AMP sequence variant interpretation guidelines (Richards et al. 2015 PMID: 25741868, with internal and published modifications).

Labcorp Genetics (formerly Invitae), Labcorp
Classification: Benign for Joubert syndrome 18; Orofacial-digital syndrome IV. Last evaluated: 2026-01-25. Review status: criteria provided, single submitter. Criteria: Invitae Variant Classification Sherloc (09022015). Collection method: clinical testing. Allele origin: germline.

Blueprint Genetics
Classification: Likely benign. Last evaluated: 2024-10-02. Review status: criteria provided, single submitter. Criteria: ACMG Guidelines, 2015. Collection method: clinical testing. Allele origin: germline.

NM_015631.6(TCTN3):c.933G>T (p.Leu311=)

Gene: TCTN3 (tectonic family member 3; minus strand). Cytogenetic location: 10q24.1.
Variant type: single nucleotide variant.
Coding change: c.933G>T on transcript NM_015631.6 (MANE Select); coding-DNA position 933, G replaced by T.
Protein change: p.Leu311=; no amino-acid change (leucine 311 retained).
Molecular consequence: synonymous variant. On other transcripts: intron variant (1).
Genome position (GRCh38, 1-based): chr10:95,685,592, C>A on the plus strand (G>T on the coding strand, the complement: TCTN3 is on the minus strand). VCF-style: chr10-95685592-C-A. GRCh37 (hg19) VCF-style: chr10-97445349-C-A.
Other names: c.651+903G>T (NM_001143973.2); c.933G>T (NM_015631.5).
Identifiers: ClinVar variation 1615120 (VCV001615120.10), dbSNP rs371380545, ClinGen allele CA5621012.